The following is an entry in ClinVar:

ClinVar aggregate classification (germline): Uncertain significance. Review status: criteria provided, multiple submitters, no conflicts (2 of 4 stars). 3 submissions from 3 submitters: Uncertain significance (3). Last evaluated 2025-12-17.

Conditions:
Hereditary cancer-predisposing syndrome. Also called: Neoplastic Syndromes, Hereditary; Hereditary Cancer Syndrome; Hereditary neoplastic syndrome; Tumor predisposition. Identifiers: Orphanet 140162, MedGen C0027672, MeSH D009386, MONDO:0015356.
DICER1-related tumor predisposition. Also called: DICER1-related pleuropulmonary blastoma cancer predisposition syndrome; DICER1 syndrome. Identifiers: Orphanet 284343, MedGen C3839822, MONDO:0100216.

Allele frequency attached by ClinVar (database versions not stated): gnomAD exomes 0.00001.
gnomAD v4.1: 2 of 1,611,830 alleles (0.00012%); highest among the groups gnomAD compares: Admixed American, 0.0033%; no homozygotes.

Submissions (3):

Labcorp Genetics (formerly Invitae), Labcorp
Classification: Uncertain significance for DICER1-related tumor predisposition. Last evaluated: 2025-12-17. Review status: criteria provided, single submitter. Criteria: Invitae Variant Classification Sherloc (09022015). Collection method: clinical testing. Allele origin: germline.
Comment: This sequence change replaces glutamic acid, which is acidic and polar, with aspartic acid, which is acidic and polar, at codon 1439 of the DICER1 protein (p.Glu1439Asp). This variant is present in population databases (no rsID available, gnomAD 0.006%). This variant has not been reported in the literature in individuals affected with DICER1-related conditions. ClinVar contains an entry for this variant (Variation ID: 824787). Invitae Evidence Modeling of protein sequence and biophysical properties (such as structural, functional, and spatial information, amino acid conservation, physicochemical variation, residue mobility, and thermodynamic stability) indicates that this missense variant is not expected to disrupt DICER1 protein function with a negative predictive value of 95%. In summary, the available evidence is currently insufficient to determine the role of this variant in disease. Therefore, it has been classified as a Variant of Uncertain Significance.

Ambry Genetics
Classification: Uncertain significance for Hereditary cancer-predisposing syndrome. Last evaluated: 2024-02-20. Review status: criteria provided, single submitter. Criteria: Ambry Variant Classification Scheme 2023. Collection method: clinical testing. Allele origin: germline.
Comment: The p.E1439D variant (also known as c.4317A>C), located in coding exon 22 of the DICER1 gene, results from an A to C substitution at nucleotide position 4317. The glutamic acid at codon 1439 is replaced by aspartic acid, an amino acid with highly similar properties. This amino acid position is well conserved in available vertebrate species. In addition, this alteration is predicted to be tolerated by in silico analysis. Since supporting evidence is limited at this time, the clinical significance of this alteration remains unclear.

GeneDx
Classification: Uncertain significance. Last evaluated: 2023-07-25. Review status: criteria provided, single submitter. Criteria: GeneDx Variant Classification Process June 2021. Collection method: clinical testing. Allele origin: germline. Affected: yes.
Comment: Not observed at significant frequency in large population cohorts (gnomAD); In silico analysis supports that this missense variant does not alter protein structure/function; Has not been previously published as pathogenic or benign to our knowledge

NM_177438.3(DICER1):c.4317A>C (p.Glu1439Asp)

Gene: DICER1 (dicer 1, ribonuclease III; minus strand). Cytogenetic location: 14q32.13.
Variant type: single nucleotide variant.
Coding change: c.4317A>C on transcript NM_177438.3 (MANE Select); coding-DNA position 4317, A replaced by C.
Protein change: p.Glu1439Asp; replaces glutamic acid 1439 with aspartic acid.
Molecular consequence: missense variant.
Genome position (GRCh38, 1-based): chr14:95,096,603, T>G on the plus strand (A>C on the coding strand, the complement: DICER1 is on the minus strand). VCF-style: chr14-95096603-T-G. GRCh37 (hg19) VCF-style: chr14-95562940-T-G.
Other names: c.4317A>C, p.Glu1439Asp (NM_001195573.1, NM_001271282.3, NM_001291628.2 and 1 more transcripts); short protein forms E1439D.
Identifiers: ClinVar variation 824787 (VCV000824787.13), dbSNP rs1394532756, ClinGen allele CA390869374.